The following is an entry in ClinVar:

NM_003677.5(DENR):c.-2A>C

Gene: DENR (density regulated re-initiation and release factor; plus strand). Cytogenetic location: 12q24.31.
Variant type: single nucleotide variant.
Coding change: c.-2A>C on transcript NM_003677.5 (MANE Select); 2 bases upstream of the start codon, A replaced by C.
Molecular consequence: 5 prime UTR variant.
Genome position (GRCh38, 1-based): chr12:122,753,700, A>C. VCF-style: chr12-122753700-A-C. GRCh37 (hg19) VCF-style: chr12-123238247-A-C.
Identifiers: ClinVar variation 3045398 (VCV003045398.2), dbSNP rs368485489, ClinGen allele CA6850084.

ClinVar aggregate classification (germline): Likely benign (0 of 4 stars; one submission).

Conditions:
DENR-related disorder. Also called: DENR-related condition.

Allele frequency attached by ClinVar (database versions not stated): gnomAD 0.00031; TOPMed 0.00031; ExAC 0.00033; gnomAD exomes 0.00035; ESP Exome Variant Server 0.00050.

Submission:

PreventionGenetics, part of Exact Sciences
Classification: Likely benign for DENR-related condition. Last evaluated: 2019-03-01. Review status: no assertion criteria provided. Collection method: clinical testing. Allele origin: germline.
Comment: This variant is classified as likely benign based on ACMG/AMP sequence variant interpretation guidelines (Richards et al. 2015 PMID: 25741868, with internal and published modifications).